The following is an entry in ClinVar:

NM_002693.3(POLG):c.2884G>A (p.Ala962Thr)

Gene: POLG (DNA polymerase gamma, catalytic subunit; minus strand). Cytogenetic location: 15q26.1.
Variant type: single nucleotide variant.
Coding change: c.2884G>A on transcript NM_002693.3 (MANE Select); coding-DNA position 2884, G replaced by A.
Protein change: p.Ala962Thr; replaces alanine 962 with threonine.
Molecular consequence: missense variant.
Genome position (GRCh38, 1-based): chr15:89,320,863, C>T on the plus strand (G>A on the coding strand, the complement: POLG is on the minus strand). VCF-style: chr15-89320863-C-T. GRCh37 (hg19) VCF-style: chr15-89864094-C-T.
Other names: p.Ala962Thr; c.2884G>A, p.Ala962Thr (NM_001126131.2); short protein forms A962T.
Identifiers: ClinVar variation 595463 (VCV000595463.15), dbSNP rs760305377, ClinGen allele CA7724331.
Genomic context (GRCh38, chr15:89,320,863, plus strand): 5'-CCTTCTCAGCTGCCTCCTGCTGTGTGAGCCGGTGGTTAAACTGCATTAGTAAGCGCTCAG[C>T]AAAGGGCTGCCCAGCACCATAGATGCGGCCGTAGTTGAAGATTTTGGCATGCTCACGGCT-3'
Protein context (NP_002684.1, residues 952-972): GRIYGAGQPF[Ala962Thr]ERLLMQFNHR

ClinVar aggregate classification (germline): Uncertain significance. Review status: criteria provided, multiple submitters, no conflicts (2 of 4 stars). 5 submissions from 5 submitters: Uncertain significance (5). Last evaluated 2025-08-12.

Conditions:
Progressive sclerosing poliodystrophy (MTDPS4A). Also called: Mitochondrial DNA depletion syndrome 4A (Alpers type); Mitochondrial DNA Depletion Syndrome 4A; Alpers Syndrome; ALPERS DIFFUSE DEGENERATION OF CEREBRAL GRAY MATTER WITH HEPATIC CIRRHOSIS; Alpers-Huttenlocher Syndrome; ALPERS PROGRESSIVE INFANTILE POLIODYSTROPHY. Identifiers: Orphanet 726, MedGen C0205710, MONDO:0008758, OMIM 203700.

Allele frequency attached by ClinVar (database versions not stated): gnomAD exomes below 0.00001 and 0.00003; ExAC 0.00002; TOPMed 0.00005.
gnomAD v4.1: 7 of 1,613,874 alleles (0.00043%); highest among the groups gnomAD compares: East Asian, 0.013%; no homozygotes.

Submissions (5):

Labcorp Genetics (formerly Invitae), Labcorp
Classification: Uncertain significance for Progressive sclerosing poliodystrophy. Last evaluated: 2025-08-12. Review status: criteria provided, single submitter. Criteria: Invitae Variant Classification Sherloc (09022015). Collection method: clinical testing. Allele origin: germline.
Comment: This sequence change replaces alanine, which is neutral and non-polar, with threonine, which is neutral and polar, at codon 962 of the POLG protein (p.Ala962Thr). This variant is present in population databases (rs760305377, gnomAD 0.05%). This missense change has been observed in individual(s) with clinical features of POLG-related conditions (PMID: 21880868, 32005694, 32348839, 36689859). ClinVar contains an entry for this variant (Variation ID: 595463). Invitae Evidence Modeling of protein sequence and biophysical properties (such as structural, functional, and spatial information, amino acid conservation, physicochemical variation, residue mobility, and thermodynamic stability) indicates that this missense variant is expected to disrupt POLG protein function with a positive predictive value of 95%. Experimental studies have shown that this missense change affects POLG function (PMID: 39545794). In summary, the available evidence is currently insufficient to determine the role of this variant in disease. Therefore, it has been classified as a Variant of Uncertain Significance.

Women's Health and Genetics/Laboratory Corporation of America, LabCorp
Classification: Uncertain significance. Last evaluated: 2025-06-23. Review status: criteria provided, single submitter. Criteria: LabCorp Variant Classification Summary - May 2015. Collection method: clinical testing. Allele origin: germline.
Comment: Variant summary: POLG c.2884G>A (p.Ala962Thr) results in a non-conservative amino acid change in the encoded protein sequence. Algorithms developed to predict the effect of missense changes on protein structure and function all suggest that this variant is likely to be disruptive. The variant allele was found at a frequency of 3.2e-05 in 251222 control chromosomes. c.2884G>A has been observed in individuals affected with mitochodrial disorders (e.g., Dong_2020, Hu_2020, Tang_2011, Wu_2022). These report(s) do not provide unequivocal conclusions about association of the variant with Mitochondrial DNA Depletion Syndrome - POLG Related. At least one publication reports experimental evidence evaluating an impact on protein function. In a cell SH-SY5Y cell study, the most pronounced variant effect results in approximately 35% of normal levels of mtDNA (Hu_2024). The following publications have been ascertained in the context of this evaluation (PMID: 32005694, 32348839, 39545794, 21880868, 35598585). ClinVar contains an entry for this variant (Variation ID: 595463). Based on the evidence outlined above, the variant was classified as VUS-possibly pathogenic.

Mayo Clinic Laboratories, Mayo Clinic
Classification: Uncertain significance. Last evaluated: 2023-06-23. Review status: criteria provided, single submitter. Criteria: ACMG Guidelines, 2015. Collection method: clinical testing. Allele origin: germline. Observed: 1 variant allele.
Comment: PP3, PM2, PM3_supporting

GeneDx
Classification: Uncertain significance. Last evaluated: 2020-09-25. Review status: criteria provided, single submitter. Criteria: GeneDx Variant Classification Process June 2021. Collection method: clinical testing. Allele origin: germline. Affected: yes.
Comment: In silico analysis supports that this missense variant has a deleterious effect on protein structure/function; Observed with a pathogenic variant in a patient with ataxia, muscle weakness, and central hypoventilation in published literature, but it is not known whether the variants occurred on the same (in cis) or on different (in trans) chromosomes (Tang et al., 2011); This variant is associated with the following publications: (PMID: 21880868)

Eurofins Ntd Llc (ga)
Classification: Uncertain significance. Last evaluated: 2017-12-20. Review status: criteria provided, single submitter. Criteria: EGL Classification Definitions 2015. Collection method: clinical testing. Allele origin: germline. Observed: 1 variant allele, 1 heterozygote.

Literature cited by the submitters: PubMed 21880868 (cited by 4 submitters); PubMed 32005694 (cited by 3 submitters); PubMed 32348839 (cited by 3 submitters); PubMed 36689859 (cited by Labcorp Genetics (formerly Invitae), Labcorp and Mayo Clinic Laboratories, Mayo Clinic); PubMed 39545794 (cited by Labcorp Genetics (formerly Invitae), Labcorp and Women's Health and Genetics/Laboratory Corporation of America, LabCorp); PubMed 35598585 (cited by Women's Health and Genetics/Laboratory Corporation of America, LabCorp and Mayo Clinic Laboratories, Mayo Clinic); PubMed 31075681 (cited by Mayo Clinic Laboratories, Mayo Clinic); PubMed 32613234 (cited by Mayo Clinic Laboratories, Mayo Clinic); PubMed 35861376 (cited by Mayo Clinic Laboratories, Mayo Clinic).